The following is an entry in ClinVar:

ClinVar aggregate classification (germline): Pathogenic/Likely pathogenic. Review status: criteria provided, multiple submitters, no conflicts (2 of 4 stars). 2 submissions from 2 submitters: Pathogenic (1); Likely pathogenic (1). Last evaluated 2024-05-20.

Conditions:
Hereditary cancer-predisposing syndrome. Also called: Tumor predisposition; Hereditary neoplastic syndrome; Neoplastic Syndromes, Hereditary; Hereditary Cancer Syndrome. Identifiers: Orphanet 140162, MedGen C0027672, MeSH D009386, MONDO:0015356.
Retinoblastoma (RB1). Also called: RETINOBLASTOMA, SOMATIC. Identifiers: Orphanet 790, MedGen C0035335, MeSH D012175, MONDO:0008380, OMIM 180200, HP:0009919. Disease mechanism: loss of function. Inheritance: Both sporadic and heritable forms are tested..

Submissions (4):

Genetic Diagnostic Laboratory, University of Pennsylvania School of Medicine
Classification: Pathogenic for Retinoblastoma. Last evaluated: 2024-05-20. Review status: criteria provided, single submitter. Criteria: ACMG Guidelines, 2015. Collection method: clinical testing. Allele origin: germline. Affected: yes. Observed: 2 variant alleles.
Comment: Case and Pedigree Information: BILATERAL CASES:2, UNILATERAL CASES:0, TOTAL CASES:2, PEDIGREES:2. ACMG Codes Applied:PVS1, PM2

Ambry Genetics
Classification: Likely pathogenic for Hereditary cancer-predisposing syndrome. Last evaluated: 2023-10-20. Review status: criteria provided, single submitter. Criteria: Ambry Variant Classification Scheme 2023. Collection method: clinical testing. Allele origin: germline.
Comment: The c.1215+1G>T intronic variant results from a G to T substitution one nucleotide after coding exon 12 of the RB1 gene. This alteration has been observed in at least one individual with a personal and/or family history that is consistent with RB1-related disease (Ambry internal data). This variant is considered to be rare based on population cohorts in the Genome Aggregation Database (gnomAD). This nucleotide position is highly conserved in available vertebrate species. In silico splice site analysis predicts that this alteration will weaken the native splice donor site; however, direct evidence is insufficient at this time (Ambry internal data). Alterations that disrupt the canonical splice site are expected to cause aberrant splicing, resulting in an abnormal protein or a transcript that is subject to nonsense-mediated mRNA decay. As such, this alteration is classified as likely pathogenic.

Dr. Peter K. Rogan Lab, Western University
No classification provided (evidence only). Condition: Lung cancer. Review status: no classification provided. Collection method: in vitro. Allele origin: not applicable. Functional consequence: skipped exon, retained intron. Not counted in ClinVar's aggregate classification.

MutSpliceDB: a database of splice sites variants effects on splicing, NIH
No classification provided (evidence only). Review status: no classification provided. Collection method: in vivo. Allele origin: not applicable. Functional consequence: retained intron. Not counted in ClinVar's aggregate classification.

NM_000321.3(RB1):c.1215+1G>T

Gene: RB1 (RB transcriptional corepressor 1; plus strand). Cytogenetic location: 13q14.2.
Variant type: single nucleotide variant.
Coding change: c.1215+1G>T on transcript NM_000321.3 (MANE Select); the canonical splice donor site of the intron after coding-DNA position 1215, G replaced by T.
Molecular consequence: splice donor variant.
Genome position (GRCh38, 1-based): chr13:48,373,493, G>T. VCF-style: chr13-48373493-G-T. GRCh37 (hg19) VCF-style: chr13-48947629-G-T.
Other names: NM_000321.3:c.1215+1G>T; NC_000013.10:g.48947629G>T; c.1215+1G>T (NM_000321.2, NM_001407165.1, NM_001407166.1).
Identifiers: ClinVar variation 1298329 (VCV001298329.6), dbSNP rs587776783, ClinGen allele CA388161720.
Genomic context (GRCh38, chr13:48,373,493, plus strand): 5'-ATGATGATTTTAAATTCAGCAAGTGATCAACCTTCAGAAAATCTGATTTCCTATTTTAAC[G>T]TAAGCCATATATGAAACATTATTTATTGTAATATCTTGGCAAAGAAACTTGAAATTAAAA-3'